The following is an entry in ClinVar:

ClinVar aggregate classification (germline): Uncertain significance (1 of 4 stars; one submission).

Conditions:
Inborn genetic diseases. Identifiers: MedGen C0950123, MeSH D030342.

Submission:

Ambry Genetics
Classification: Uncertain significance for Inborn genetic diseases. Last evaluated: 2024-10-21. Review status: criteria provided, single submitter. Criteria: Ambry Variant Classification Scheme 2023. Collection method: clinical testing. Allele origin: germline.
Comment: The p.L434V variant (also known as c.1300C>G), located in coding exon 5 of the ATR gene, results from a C to G substitution at nucleotide position 1300. The leucine at codon 434 is replaced by valine, an amino acid with highly similar properties. This amino acid position is conserved. In addition, this alteration is predicted to be tolerated by in silico analysis. Based on the available evidence, the clinical significance of this variant remains unclear.

NM_001184.4(ATR):c.1300C>G (p.Leu434Val)

Gene: ATR (ATR serine/threonine kinase; minus strand). Cytogenetic location: 3q23.
Variant type: single nucleotide variant.
Coding change: c.1300C>G on transcript NM_001184.4 (MANE Select); coding-DNA position 1300, C replaced by G.
Protein change: p.Leu434Val; replaces leucine 434 with valine.
Molecular consequence: missense variant.
Genome position (GRCh38, 1-based): chr3:142,561,292, G>C on the plus strand (C>G on the coding strand, the complement: ATR is on the minus strand). VCF-style: chr3-142561292-G-C. GRCh37 (hg19) VCF-style: chr3-142280134-G-C.
Other names: c.1300C>G, p.Leu434Val (NM_001354579.2); short protein forms L434V.
Identifiers: ClinVar variation 3463156 (VCV003463156.1).
Genomic context (GRCh38, chr3:142,561,292, plus strand): 5'-GGTCATCATACTCCTCAGTCTGTTTTGGTGCTCTTTTAGAAGGGTTTAGAGACGAGCTGA[G>C]ACGACGCCTTTTGGGTGATATTCCATCACTATTACTGCTGAGGTTTTCCTGTTGAGTTTG-3'
Protein context (NP_001175.2, residues 424-444): SDGISPKRRR[Leu434Val]SSSLNPSKRA